The following is an entry in ClinVar:

ClinVar aggregate classification (germline): Benign (1 of 4 stars; one submission).

Conditions:
Pitt-Hopkins syndrome (PTHS). Also called: ENCEPHALOPATHY, SEVERE EPILEPTIC, WITH AUTONOMIC DYSFUNCTION; MENTAL RETARDATION, SYNDROMAL, WITH INTERMITTENT HYPERVENTILATION. Identifiers: Orphanet 2896, MedGen C1970431, MONDO:0012589, OMIM 610954.

Allele frequency attached by ClinVar (database versions not stated): gnomAD 0.00026 and 0.00031; TOPMed 0.00030; 1000 Genomes Project 0.00140.

Submission:

Illumina Laboratory Services, Illumina
Classification: Benign for Pitt-Hopkins syndrome. Last evaluated: 2018-01-13. Review status: criteria provided, single submitter. Criteria: ICSL Variant Classification Criteria 13 December 2019. Collection method: clinical testing. Allele origin: germline.
Comment: This variant was observed in the ICSL laboratory as part of a predisposition screen in an ostensibly healthy population. It had not been previously curated by ICSL or reported in the Human Gene Mutation Database (HGMD: prior to June 1st, 2018), and was therefore a candidate for classification through an automated scoring system. Utilizing variant allele frequency, disease prevalence and penetrance estimates, and inheritance mode, an automated score was calculated to assess if this variant is too frequent to cause the disease. Based on the score and internal cut-off values, a variant classified as benign is not then subjected to further curation. The score for this variant resulted in a classification of benign for this disease.

NM_001083962.2(TCF4):c.*2001G>T

Gene: TCF4 (transcription factor 4; minus strand). Cytogenetic location: 18q21.2.
Variant type: single nucleotide variant.
Coding change: c.*2001G>T on transcript NM_001083962.2 (MANE Select); 2001 bases downstream of the stop codon, G replaced by T.
Molecular consequence: 3 prime UTR variant.
Genome position (GRCh38, 1-based): chr18:55,226,034, C>A on the plus strand (G>T on the coding strand, the complement: TCF4 is on the minus strand). VCF-style: chr18-55226034-C-A. GRCh37 (hg19) VCF-style: chr18-52893265-C-A.
Other names: c.*2001G>T (NM_001243226.3, NM_001243227.2, NM_001243228.2 and 42 more transcripts).
Identifiers: ClinVar variation 327277 (VCV000327277.5), dbSNP rs201139617, ClinGen allele CA10647849.